The following is an entry in ClinVar:

NM_145200.5(CABP4):c.748G>A (p.Glu250Lys)

Gene: CABP4 (calcium binding protein 4; plus strand). Cytogenetic location: 11q13.2.
Variant type: single nucleotide variant.
Coding change: c.748G>A on transcript NM_145200.5 (MANE Select); coding-DNA position 748, G replaced by A.
Protein change: p.Glu250Lys; replaces glutamic acid 250 with lysine.
Molecular consequence: missense variant. On other transcripts: non-coding transcript variant (1).
Genome position (GRCh38, 1-based): chr11:67,458,467, G>A. VCF-style: chr11-67458467-G-A. GRCh37 (hg19) VCF-style: chr11-67225938-G-A.
Other names: c.433G>A, p.Glu145Lys (NM_001300895.3, NM_001300896.3, NM_001379183.1); short protein forms E145K, E250K.
Identifiers: ClinVar variation 2108901 (VCV002108901.4), dbSNP rs1864905639, ClinGen allele CA381533545.

ClinVar aggregate classification (germline): Uncertain significance. Review status: criteria provided, multiple submitters, no conflicts (2 of 4 stars). 2 submissions from 2 submitters: Uncertain significance (2). Last evaluated 2024-11-11.

Allele frequency attached by ClinVar (database versions not stated): gnomAD exomes 0.00001; TOPMed 0.00001.

Submissions (2):

Labcorp Genetics (formerly Invitae), Labcorp
Classification: Uncertain significance. Last evaluated: 2024-11-11. Review status: criteria provided, single submitter. Criteria: Invitae Variant Classification Sherloc (09022015). Collection method: clinical testing. Allele origin: germline.
Comment: This sequence change replaces glutamic acid, which is acidic and polar, with lysine, which is basic and polar, at codon 250 of the CABP4 protein (p.Glu250Lys). This variant is not present in population databases (gnomAD no frequency). This variant has not been reported in the literature in individuals affected with CABP4-related conditions. ClinVar contains an entry for this variant (Variation ID: 2108901). Invitae Evidence Modeling of protein sequence and biophysical properties (such as structural, functional, and spatial information, amino acid conservation, physicochemical variation, residue mobility, and thermodynamic stability) indicates that this missense variant is expected to disrupt CABP4 protein function with a positive predictive value of 80%. In summary, the available evidence is currently insufficient to determine the role of this variant in disease. Therefore, it has been classified as a Variant of Uncertain Significance.

Blueprint Genetics
Classification: Uncertain significance. Last evaluated: 2019-01-08. Review status: criteria provided, single submitter. Criteria: ACMG Guidelines, 2015. Collection method: clinical testing. Allele origin: germline.